The following is an entry in ClinVar:

ClinVar aggregate classification (germline): Benign. Review status: criteria provided, multiple submitters, no conflicts (2 of 4 stars). 2 submissions from 2 submitters: Benign (2). Last evaluated 2026-09-01.

Allele frequency attached by ClinVar (database versions not stated): 1000 Genomes Project 0.00639; 1000 Genomes Project 30x 0.00640; ExAC 0.00868; gnomAD exomes 0.00880 and 0.01263; gnomAD 0.00982 and 0.01001; TOPMed 0.00997; ESP Exome Variant Server 0.01007.
gnomAD v4.1: 19,924 of 1,613,448 alleles (1.2%); highest among the groups gnomAD compares: Middle Eastern, 1.6%; 164 homozygotes.

Submissions (2):

CeGaT Center for Human Genetics Tuebingen
Classification: Benign. Last evaluated: 2026-09-01. Review status: criteria provided, single submitter. Criteria: CeGaT Center For Human Genetics Tuebingen Variant Classification Criteria Version 2. Collection method: clinical testing. Allele origin: germline. Affected: yes. Observed: 15 variant alleles.
Comment: JARID2: BP4, BS1, BS2

Labcorp Genetics (formerly Invitae), Labcorp
Classification: Benign. Last evaluated: 2019-12-31. Review status: criteria provided, single submitter. Criteria: Invitae Variant Classification Sherloc (09022015). Collection method: clinical testing. Allele origin: germline.

NM_004973.4(JARID2):c.1474C>T (p.Arg492Cys)

Gene: JARID2 (jumonji and AT-rich interaction domain containing 2; plus strand). Cytogenetic location: 6p22.3.
Variant type: single nucleotide variant.
Coding change: c.1474C>T on transcript NM_004973.4 (MANE Select); coding-DNA position 1474, C replaced by T.
Protein change: p.Arg492Cys; replaces arginine 492 with cysteine.
Molecular consequence: missense variant.
Genome position (GRCh38, 1-based): chr6:15,496,699, C>T. VCF-style: chr6-15496699-C-T. GRCh37 (hg19) VCF-style: chr6-15496930-C-T.
Other names: c.958C>T, p.Arg320Cys (NM_001267040.1); short protein forms R320C, R492C.
Identifiers: ClinVar variation 770921 (VCV000770921.17), dbSNP rs150448457, ClinGen allele CA3642900.